The following is an entry in ClinVar:

NM_000419.5(ITGA2B):c.1636C>G (p.Pro546Ala)

Gene: ITGA2B (integrin subunit alpha 2b; minus strand). Cytogenetic location: 17q21.31.
Variant type: single nucleotide variant.
Coding change: c.1636C>G on transcript NM_000419.5 (MANE Select); coding-DNA position 1636, C replaced by G.
Protein change: p.Pro546Ala; replaces proline 546 with alanine.
Molecular consequence: missense variant.
Genome position (GRCh38, 1-based): chr17:44,380,118, G>C on the plus strand (C>G on the coding strand, the complement: ITGA2B is on the minus strand). VCF-style: chr17-44380118-G-C. GRCh37 (hg19) VCF-style: chr17-42457486-G-C.
Other names: short protein forms P546A.
Identifiers: ClinVar variation 5022828 (VCV005022828.1).

ClinVar aggregate classification (germline): Uncertain significance (1 of 4 stars; one submission).

Conditions:
Inborn genetic diseases. Identifiers: MedGen C0950123, MeSH D030342.

gnomAD v4.1: 1 of 1,613,894 alleles (0.000062%); highest among the groups gnomAD compares: Non-Finnish European, 0.000085%; no homozygotes.

Submission:

Ambry Genetics
Classification: Uncertain significance for Inborn genetic diseases. Last evaluated: 2026-09-08. Review status: criteria provided, single submitter. Criteria: Ambry Variant Classification Scheme 2023. Collection method: clinical testing. Allele origin: germline.
Comment: The c.1636C>G (p.P546A) alteration is located in exon 17 (coding exon 17) of the ITGA2B gene. This alteration results from a C to G substitution at nucleotide position 1636, causing the proline (P) at amino acid position 546 to be replaced by an alanine (A). Based on data from gnomAD, the G allele has an overall frequency of <0.001% (1/248250) total alleles studied. The highest observed frequency was 0.001% (1/112018) of European (non-Finnish) alleles. Based on insufficient or conflicting evidence, the clinical significance of this alteration remains unclear.